The following is an entry in ClinVar:

ClinVar aggregate classification (germline): Likely benign (1 of 4 stars; one submission).

Submission:

Mayo Clinic Laboratories, Mayo Clinic
Classification: Likely benign. Last evaluated: 2025-04-30. Review status: criteria provided, single submitter. Criteria: ACMG Guidelines, 2015. Collection method: clinical testing. Allele origin: germline. Observed: 1 variant allele.
Comment: BP4, BP7

NM_002109.6(HARS1):c.543C>T (p.Asn181=)

Gene: HARS1 (histidyl-tRNA synthetase 1; minus strand). Cytogenetic location: 5q31.3.
Variant type: single nucleotide variant.
Coding change: c.543C>T on transcript NM_002109.6 (MANE Select); coding-DNA position 543, C replaced by T.
Protein change: p.Asn181=; no amino-acid change (asparagine 181 retained).
Molecular consequence: synonymous variant.
Genome position (GRCh38, 1-based): chr5:140,677,995, G>A on the plus strand (C>T on the coding strand, the complement: HARS1 is on the minus strand). VCF-style: chr5-140677995-G-A. GRCh37 (hg19) VCF-style: chr5-140057580-G-A.
Other names: p.Asn181=; c.423C>T, p.Asn141= (NM_001258040.3); c.483C>T, p.Asn161= (NM_001258041.3); c.363C>T, p.Asn121= (NM_001258042.3); c.321C>T, p.Asn107= (NM_001289092.2); c.201C>T, p.Asn67= (NM_001289093.2); c.456C>T, p.Asn152= (NM_001289094.2).
Identifiers: ClinVar variation 4684863 (VCV004684863.1).